The following is an entry in ClinVar:

ClinVar aggregate classification (germline): Uncertain significance (1 of 4 stars; one submission).

Conditions:
KLF1-related disorder. Also called: KLF1-Related Disorders; KLF1-related condition.

Submission:

PreventionGenetics, part of Exact Sciences
Classification: Uncertain significance for KLF1-related condition. Last evaluated: 2025-08-05. Review status: criteria provided, single submitter. Criteria: ACMG Guidelines, 2015. Collection method: clinical testing. Allele origin: germline.
Comment: The KLF1 c.121C>A variant is predicted to result in the amino acid substitution p.Pro41Thr. To our knowledge, this variant has not been reported in the literature or in a large population database (gnomAD), indicating this variant is rare. At this time, the clinical significance of this variant is uncertain due to the absence of conclusive functional and genetic evidence.

NM_006563.5(KLF1):c.121C>A (p.Pro41Thr)

Genes: KLF1 (KLF transcription factor 1; minus strand), LOC117125592 (CRISPRi-FlowFISH-validated CALR, DHPS, JUNB, PRDX2, RAD23A, RNASEH2A and WDR83OS regulatory element; plus strand). Cytogenetic location: 19p13.13.
Variant type: single nucleotide variant.
Coding change: c.121C>A on transcript NM_006563.5 (MANE Select); coding-DNA position 121, C replaced by A.
Protein change: p.Pro41Thr; replaces proline 41 with threonine.
Molecular consequence: missense variant.
Genome position (GRCh38, 1-based): chr19:12,886,109, G>T on the plus strand (C>A on the coding strand, the complement: KLF1 is on the minus strand). VCF-style: chr19-12886109-G-T. GRCh37 (hg19) VCF-style: chr19-12996923-G-T.
Other names: short protein forms P41T.
Identifiers: ClinVar variation 4997433 (VCV004997433.1).